The following is an entry in ClinVar:

ClinVar aggregate classification (germline): Conflicting classifications of pathogenicity. Review status: criteria provided, conflicting classifications (1 of 4 stars). 10 submissions from 10 submitters: Likely pathogenic (1); Uncertain significance (8). 1 of the submissions does not count toward it. Last evaluated 2024-11-30.

Conditions:
Cardiovascular phenotype. Identifiers: MedGen CN230736.
Cardiac arrhythmia. Also called: Arrhythmia; Cardiac rhythm disease. Identifiers: MedGen C0003811, MONDO:0007263, HP:0011675.
Familial long QT syndrome (RWS). Also called: Congenital long QT syndrome; Romano-Ward syndrome; VENTRICULAR FIBRILLATION WITH PROLONGED QT INTERVAL. Identifiers: Orphanet 768, MedGen C1141890, MONDO:0019171.
Long QT syndrome (LQTS). Identifiers: MedGen C0023976, MeSH D008133, MONDO:0002442. Disease mechanism: loss of function. Inheritance: Various modes of inheritance.
Long QT syndrome 1 (LQT1). Identifiers: Orphanet 101016, Orphanet 768, MedGen C4551647, MONDO:0100316, OMIM 192500, MONDO:0008646.

Allele frequency attached by ClinVar (database versions not stated): gnomAD 0.00001; gnomAD exomes 0.00001; TOPMed 0.00002.
gnomAD v4.1: 8 of 1,611,818 alleles (0.0005%); highest among the groups gnomAD compares: East Asian, 0.0022%; no homozygotes.

Submissions (10):

Labcorp Genetics (formerly Invitae), Labcorp
Classification: Uncertain significance for Long QT syndrome. Last evaluated: 2024-11-30. Review status: criteria provided, single submitter. Criteria: Invitae Variant Classification Sherloc (09022015). Collection method: clinical testing. Allele origin: germline.
Comment: This sequence change replaces arginine, which is basic and polar, with histidine, which is basic and polar, at codon 192 of the KCNQ1 protein (p.Arg192His). This variant is present in population databases (rs199472698, gnomAD 0.005%). This missense change has been observed in individual(s) with long QT syndrome (PMID: 16922724). ClinVar contains an entry for this variant (Variation ID: 67085). Invitae Evidence Modeling of protein sequence and biophysical properties (such as structural, functional, and spatial information, amino acid conservation, physicochemical variation, residue mobility, and thermodynamic stability) has been performed for this missense variant. However, the output from this modeling did not meet the statistical confidence thresholds required to predict the impact of this variant on KCNQ1 protein function. In summary, the available evidence is currently insufficient to determine the role of this variant in disease. Therefore, it has been classified as a Variant of Uncertain Significance.

All of Us Research Program, National Institutes of Health
Classification: Uncertain significance for Long QT syndrome. Last evaluated: 2024-09-23. Review status: criteria provided, single submitter. Criteria: ACMG Guidelines, 2015. Collection method: clinical testing. Allele origin: germline. Inheritance: Autosomal dominant inheritance. Observed: 7 variant alleles, 7 heterozygotes.
Comment: This missense variant replaces arginine with histidine at codon 192 of the KCNQ1 protein. Computational prediction suggests that this variant may have deleterious impact on protein structure and function (internally defined REVEL score threshold >= 0.7, PMID: 27666373). This variant is found within a highly conserved pore region (a.a. 122-348). Rare non-truncating variants in this region have been shown to be significantly overrepresented in individuals with long QT syndrome (PMID: 32893267). A functional study has shown that the mutant channel has less increased current amplitudes compared to the wild-type (PMID: 24947509). This variant has been reported in an individual affected with long QT syndrome (PMID: 16922724), an individual suspected of having epilepsy (PMID: 31696929), and another individual affected with mitochondrial encephalopathy, lactic acidosis, and stroke-like episodes syndrome (PMID: 33484326). This variant has been identified in 3/280662 chromosomes in the general population by the Genome Aggregation Database (gnomAD). The available evidence is insufficient to determine the role of this variant in disease conclusively. Therefore, this variant is classified as a Variant of Uncertain Significance.

This study involves interpretation of variants in research participants for the purpose of population health screening. Participant phenotype was not available at the time of variant classification. Additional details can be found in publication PMID: 35346344, PMCID: PMC8962531

Neuberg Centre For Genomic Medicine, NCGM
Classification: Uncertain significance for Long QT syndrome 1. Last evaluated: 2024-02-01. Review status: criteria provided, single submitter. Criteria: ACMG Guidelines, 2015. Collection method: clinical testing. Allele origin: germline. Inheritance: Autosomal dominant inheritance.
Comment: This missense change has been observed in heterozygous state in individual(s) with long QT syndrome (Millat et. al., 2006).

Color Diagnostics, LLC DBA Color Health
Classification: Uncertain significance for Cardiac arrhythmia. Last evaluated: 2023-11-05. Review status: criteria provided, single submitter. Criteria: ACMG Guidelines, 2015. Collection method: clinical testing. Allele origin: germline.
Comment: This missense variant replaces arginine with histidine at codon 192 of the KCNQ1 protein. Computational prediction suggests that this variant may have deleterious impact on protein structure and function (internally defined REVEL score threshold >= 0.7, PMID: 27666373). This variant is found within a highly conserved pore region (a.a. 122-348). Rare non-truncating variants in this region have been shown to be significantly overrepresented in individuals with long QT syndrome (PMID: 32893267). A functional study has shown that the mutant channel has less increased current amplitudes compared to the wild-type (PMID: 24947509). This variant has been reported in an individual affected with long QT syndrome (PMID: 16922724), an individual suspected of having epilepsy (PMID: 31696929), and another individual affected with mitochondrial encephalopathy, lactic acidosis, and stroke-like episodes syndrome (PMID: 33484326). This variant has been identified in 3/280662 chromosomes in the general population by the Genome Aggregation Database (gnomAD). The available evidence is insufficient to determine the role of this variant in disease conclusively. Therefore, this variant is classified as a Variant of Uncertain Significance.

Ambry Genetics
Classification: Uncertain significance for Cardiovascular phenotype. Last evaluated: 2023-03-08. Review status: criteria provided, single submitter. Criteria: Ambry General Variant Classification Scheme_2022. Collection method: clinical testing. Allele origin: germline.
Comment: The p.R192H variant (also known as c.575G>A), located in coding exon 3 of the KCNQ1 gene, results from a G to A substitution at nucleotide position 575. The arginine at codon 192 is replaced by histidine, an amino acid with highly similar properties. This alteration was reported in a sudden unexplained death cohort (Millat G et al. Clin. Genet., 2006 Sep;70:214-27). Additionally, this alteration has been reported in an epilepsy cohort, as well as in an individual with mitochondrial encephalopathy, lactic acidosis, and stroke-like episodes (MELAS) (Li X et al. Ann Hum Genet, 2020 03;84:161-168; Chakrabarty S et al. J Neurol, 2021 Jun;268:2192-2207). In vitro studies showed this alteration may impact protein function (Eckey K et al. J Biol Chem, 2014 Aug;289:22749-22758). This amino acid position is highly conserved in available vertebrate species. In addition, this alteration is predicted to be deleterious by in silico analysis. Since supporting evidence is limited at this time, the clinical significance of this alteration remains unclear.

GeneDx
Classification: Uncertain significance. Last evaluated: 2023-02-09. Review status: criteria provided, single submitter. Criteria: GeneDx Variant Classification Process June 2021. Collection method: clinical testing. Allele origin: germline. Affected: yes.
Comment: In silico analysis supports that this missense variant has a deleterious effect on protein structure/function; Not observed at significant frequency in large population cohorts (gnomAD); This variant is associated with the following publications: (PMID: 20851114, 24947509, 32125936, 16922724)

Blueprint Genetics
Classification: Uncertain significance. Last evaluated: 2022-12-27. Review status: criteria provided, single submitter. Criteria: ACMG Guidelines, 2015. Collection method: clinical testing. Allele origin: germline.

AiLife Diagnostics
Classification: Likely pathogenic. Last evaluated: 2022-03-24. Review status: criteria provided, single submitter. Criteria: ACMG Guidelines, 2015. Collection method: clinical testing. Allele origin: germline. Affected: yes. Observed: 1 variant allele.

Institute of Human Genetics, University of Leipzig Medical Center
Classification: Uncertain significance for Long QT syndrome 1. Last evaluated: 2017-10-19. Review status: criteria provided, single submitter. Criteria: ACMG Guidelines, 2015. Collection method: clinical testing. Allele origin: germline. Affected: yes. Observed: 1 variant allele.

Cardiovascular Biomedical Research Unit, Royal Brompton & Harefield NHS Foundation Trust
No classification provided. Condition: Familial long QT syndrome. Review status: no classification provided. Collection method: literature only. Allele origin: germline. Not counted in ClinVar's aggregate classification.
Comment: This variant has been reported as associated with Long QT syndrome in the following publications (PMID:16922724). This is a literature report, and does not necessarily reflect the clinical interpretation of the Imperial College / Royal Brompton Cardiovascular Genetics laboratory.

Literature cited by the submitters: PubMed 16922724 (cited by 6 submitters); PubMed 24947509 (cited by 4 submitters); PubMed 31696929 (cited by 3 submitters); PubMed 32893267 (cited by All of Us Research Program, National Institutes of Health and Color Diagnostics, LLC DBA Color Health); PubMed 33484326 (cited by 3 submitters); PubMed 22581653 (cited by Cardiovascular Biomedical Research Unit, Royal Brompton & Harefield NHS Foundation Trust).

NM_000218.3(KCNQ1):c.575G>A (p.Arg192His)

Gene: KCNQ1 (potassium voltage-gated channel subfamily Q member 1; plus strand). Cytogenetic location: 11p15.5.
Variant type: single nucleotide variant.
Coding change: c.575G>A on transcript NM_000218.3 (MANE Select); coding-DNA position 575, G replaced by A.
Protein change: p.Arg192His; replaces arginine 192 with histidine.
Molecular consequence: missense variant.
Genome position (GRCh38, 1-based): chr11:2,570,725, G>A. VCF-style: chr11-2570725-G-A. GRCh37 (hg19) VCF-style: chr11-2591955-G-A.
Other names: p.R192H:CGC>CAC; c.575G>A (LRG_287t1); c.575G>A, p.Arg192His (NM_001406836.1); c.305G>A, p.Arg102His (NM_001406837.1); c.194G>A, p.Arg65His (NM_181798.2); short protein forms R192H, R65H, R102H.
Identifiers: ClinVar variation 67085 (VCV000067085.23), dbSNP rs199472698, ClinGen allele CA007593.